The following is an entry in ClinVar:

ClinVar aggregate classification (germline): Benign/Likely benign. Review status: criteria provided, multiple submitters, no conflicts (2 of 4 stars). 7 submissions from 7 submitters: Benign (1); Likely benign (3). 3 of the submissions do not count toward it. Last evaluated 2026-01-18.

Conditions:
Mendelian susceptibility to mycobacterial diseases due to partial STAT1 deficiency. Also called: IMMUNODEFICIENCY 31A, MYCOBACTERIOSIS, AUTOSOMAL DOMINANT; STAT1 DEFICIENCY, AUTOSOMAL DOMINANT; Immunodeficiency 31a. Identifiers: Orphanet 319595, MedGen C4013950, MONDO:0013956, OMIM 614892.
STAT1-related disorder. Also called: STAT1-related condition.
Immunodeficiency 31B. Also called: IMMUNODEFICIENCY 31B, MYCOBACTERIAL AND VIRAL INFECTIONS, AUTOSOMAL RECESSIVE; STAT1 DEFICIENCY, AUTOSOMAL RECESSIVE. Identifiers: Orphanet 391311, MedGen C3151088, MONDO:0013427, OMIM 613796.
Autoimmune enteropathy and endocrinopathy - susceptibility to chronic infections syndrome. Also called: Immunodeficiency 31C, autosomal dominant; Immunodeficiency 31C. Identifiers: Orphanet 391487, MedGen C3279990, MONDO:0013599, OMIM 614162.

Allele frequency attached by ClinVar (database versions not stated): 1000 Genomes Project 30x 0.00016; 1000 Genomes Project 0.00020; gnomAD exomes 0.00038 and 0.00064; ExAC 0.00039; TOPMed 0.00046; gnomAD 0.00055 and 0.00056; ESP Exome Variant Server 0.00085.
gnomAD v4.1: 991 of 1,614,180 alleles (0.061%); highest among the groups gnomAD compares: Non-Finnish European, 0.081%; no homozygotes.

Submissions (7):

Labcorp Genetics (formerly Invitae), Labcorp
Classification: Likely benign for Mendelian susceptibility to mycobacterial diseases due to partial STAT1 deficiency; Immunodeficiency 31B; Autoimmune enteropathy and endocrinopathy - susceptibility to chronic infections syndrome. Last evaluated: 2026-01-18. Review status: criteria provided, single submitter. Criteria: Invitae Variant Classification Sherloc (09022015). Collection method: clinical testing. Allele origin: germline.

Blueprint Genetics
Classification: Likely benign. Last evaluated: 2024-09-25. Review status: criteria provided, single submitter. Criteria: ACMG Guidelines, 2015. Collection method: clinical testing. Allele origin: germline.

CeGaT Center for Human Genetics Tuebingen
Classification: Likely benign. Last evaluated: 2020-06-01. Review status: criteria provided, single submitter. Criteria: CeGaT Center For Human Genetics Tuebingen Variant Classification Criteria Version 2. Collection method: clinical testing. Allele origin: germline. Affected: yes. Observed: 3 variant alleles.

Illumina Laboratory Services, Illumina
Classification: Benign for Mendelian susceptibility to mycobacterial diseases due to partial STAT1 deficiency. Last evaluated: 2018-01-12. Review status: criteria provided, single submitter. Criteria: ICSL Variant Classification Criteria 13 December 2019. Collection method: clinical testing. Allele origin: germline.
Comment: This variant was observed in the ICSL laboratory as part of a predisposition screen in an ostensibly healthy population. It had not been previously curated by ICSL or reported in the Human Gene Mutation Database (HGMD: prior to June 1st, 2018), and was therefore a candidate for classification through an automated scoring system. Utilizing variant allele frequency, disease prevalence and penetrance estimates, and inheritance mode, an automated score was calculated to assess if this variant is too frequent to cause the disease. Based on the score and internal cut-off values, a variant classified as benign is not then subjected to further curation. The score for this variant resulted in a classification of benign for this disease.

PreventionGenetics, part of Exact Sciences
Classification: Likely benign for STAT1-related condition. Last evaluated: 2019-08-07. Review status: no assertion criteria provided. Collection method: clinical testing. Allele origin: germline. Not counted in ClinVar's aggregate classification.
Comment: This variant is classified as likely benign based on ACMG/AMP sequence variant interpretation guidelines (Richards et al. 2015 PMID: 25741868, with internal and published modifications).

Clinical Genetics DNA and cytogenetics Diagnostics Lab, Erasmus MC, Erasmus Medical Center
Classification: Likely benign. Review status: no assertion criteria provided. Collection method: clinical testing. Allele origin: germline. Affected: yes. Study: VKGL Data-share Consensus. Not counted in ClinVar's aggregate classification.

Genome Diagnostics Laboratory, University Medical Center Utrecht
Classification: Benign. Review status: no assertion criteria provided. Collection method: clinical testing. Allele origin: germline. Affected: yes. Study: VKGL Data-share Consensus. Not counted in ClinVar's aggregate classification.

NM_007315.4(STAT1):c.1263+7G>A

Gene: STAT1 (signal transducer and activator of transcription 1; minus strand). Cytogenetic location: 2q32.2.
Variant type: single nucleotide variant.
Coding change: c.1263+7G>A on transcript NM_007315.4 (MANE Select); 7 bases into the intron after coding-DNA position 1263, G replaced by A.
Molecular consequence: intron variant.
Genome position (GRCh38, 1-based): chr2:190,985,612, C>T on the plus strand (G>A on the coding strand, the complement: STAT1 is on the minus strand). VCF-style: chr2-190985612-C-T. GRCh37 (hg19) VCF-style: chr2-191850338-C-T.
Other names: c.1173+7G>A (NM_001384890.1); c.1164+7G>A (NM_001384883.1); c.1104+7G>A (NM_001384885.1); c.1170+7G>A (NM_001384887.1); c.1203+7G>A (NM_001384880.1); c.1233+7G>A (NM_001384888.1); c.1257+7G>A (NM_001384882.1); c.1263+7G>A (NM_001384889.1, NM_001384886.1, NM_139266.3); and 2 more.
Identifiers: ClinVar variation 333275 (VCV000333275.59), dbSNP rs56228116, ClinGen allele CA2029987.